The following is an entry in ClinVar:

ClinVar aggregate classification (germline): Likely benign (1 of 4 stars; one submission).

Allele frequency attached by ClinVar (database versions not stated): TOPMed 0.00001; gnomAD 0.00002; gnomAD exomes 0.00003; ExAC 0.00006.
gnomAD v4.1: 45 of 1,613,714 alleles (0.0028%); highest among the groups gnomAD compares: South Asian, 0.016%; no homozygotes.

Submission:

CeGaT Center for Human Genetics Tuebingen
Classification: Likely benign. Last evaluated: 2023-04-01. Review status: criteria provided, single submitter. Criteria: CeGaT Center For Human Genetics Tuebingen Variant Classification Criteria Version 2. Collection method: clinical testing. Allele origin: germline. Affected: yes. Observed: 1 variant allele.
Comment: COL14A1: BP4, BP7

NM_021110.4(COL14A1):c.3588C>T (p.Asp1196=)

Gene: COL14A1 (collagen type XIV alpha 1 chain; plus strand). Cytogenetic location: 8q24.12.
Variant type: single nucleotide variant.
Coding change: c.3588C>T on transcript NM_021110.4 (MANE Select); coding-DNA position 3588, C replaced by T.
Protein change: p.Asp1196=; no amino-acid change (aspartic acid 1196 retained).
Molecular consequence: synonymous variant.
Genome position (GRCh38, 1-based): chr8:120,280,041, C>T. VCF-style: chr8-120280041-C-T. GRCh37 (hg19) VCF-style: chr8-121292280-C-T.
Other names: c.3588C>T, p.Asp1196= (NM_001384947.1, NM_001413490.1, NM_001413491.1 and 3 more transcripts); c.3501C>T, p.Asp1167= (NM_001413495.1, NM_001413498.1); c.1236C>T, p.Asp412= (NM_001413499.1, NM_001413500.1).
Identifiers: ClinVar variation 2658785 (VCV002658785.24), dbSNP rs756641610, ClinGen allele CA4859568.